The following is an entry in ClinVar:

ClinVar aggregate classification (germline): Uncertain significance (1 of 4 stars; one submission).

Allele frequency attached by ClinVar (database versions not stated): TOPMed 0.00001; ExAC 0.00001; gnomAD 0.00001; gnomAD exomes 0.00001.
gnomAD v4.1: 4 of 1,614,014 alleles (0.00025%); highest among the groups gnomAD compares: Non-Finnish European, 0.00034%; no homozygotes.

Submission:

Labcorp Genetics (formerly Invitae), Labcorp
Classification: Uncertain significance. Last evaluated: 2022-07-19. Review status: criteria provided, single submitter. Criteria: Invitae Variant Classification Sherloc (09022015). Collection method: clinical testing. Allele origin: germline.
Comment: In summary, the available evidence is currently insufficient to determine the role of this variant in disease. Therefore, it has been classified as a Variant of Uncertain Significance. Algorithms developed to predict the effect of sequence changes on RNA splicing suggest that this variant may create or strengthen a splice site. This variant has not been reported in the literature in individuals affected with PDE2A-related conditions. This variant is present in population databases (rs773476537, gnomAD 0.002%). This sequence change falls in intron 16 of the PDE2A gene. It does not directly change the encoded amino acid sequence of the PDE2A protein.

NM_002599.5(PDE2A):c.1287-6C>T

Genes: PDE2A (phosphodiesterase 2A; minus strand), PDE2A-AS2 (PDE2A antisense RNA 2; plus strand). Cytogenetic location: 11q13.4.
Variant type: single nucleotide variant.
Coding change: c.1287-6C>T on transcript NM_002599.5 (MANE Select); 6 bases into the intron before coding-DNA position 1287, C replaced by T.
Molecular consequence: intron variant.
Genome position (GRCh38, 1-based): chr11:72,584,950, G>A on the plus strand (C>T on the coding strand, the complement: PDE2A is on the minus strand). VCF-style: chr11-72584950-G-A. GRCh37 (hg19) VCF-style: chr11-72295994-G-A.
Other names: c.1260-6C>T (NM_001146209.3); c.1266-6C>T (NM_001143839.4); c.1224-6C>T (NM_001243784.2).
Identifiers: ClinVar variation 2061130 (VCV002061130.4), dbSNP rs773476537, ClinGen allele CA6172230.
Genomic context (GRCh38, chr11:72,584,950, plus strand): 5'-CCCGTCGAACACCTTGGCCACCAGCTCATTCTGATCCAGCAGGAACACAGAGCAGCTGTG[G>A]AGGGAGGGGTTTGGTCCTCTGGGGCCTGACAACCCCCTCTGATCGCCCTCACGTCCCATA-3'